The following is an entry in ClinVar:

ClinVar aggregate classification (germline): Uncertain significance. Review status: criteria provided, multiple submitters, no conflicts (2 of 4 stars). 5 submissions from 5 submitters: Uncertain significance (5). Last evaluated 2026-04-08.

Conditions:
DST-related disorder. Also called: DST-related disorders; DST-related condition.
Inborn genetic diseases. Identifiers: MedGen C0950123, MeSH D030342.
Hereditary sensory and autonomic neuropathy type 6. Also called: Neuropathy, hereditary sensory and autonomic, type VI; HSAN VI. Identifiers: Orphanet 314381, MedGen C3539003, MONDO:0013839, OMIM 614653.
Epidermolysis bullosa simplex 3, localized or generalized intermediate, with BP230 deficiency (EBS3). Also called: Epidermolysis bullosa simplex, autosomal recessive 2; Epidermolysis bullosa simplex due to BP230 deficiency. Identifiers: Orphanet 412181, MedGen C3809470, MONDO:0014180, OMIM 615425.

Allele frequency attached by ClinVar (database versions not stated): ExAC 0.00005; TOPMed 0.00007; gnomAD exomes 0.00010; gnomAD 0.00011.
gnomAD v4.1: 152 of 1,612,530 alleles (0.0094%); highest among the groups gnomAD compares: Middle Eastern, 0.016%; no homozygotes.

Submissions (5):

PreventionGenetics, part of Exact Sciences
Classification: Uncertain significance for DST-related condition. Last evaluated: 2026-04-08. Review status: criteria provided, single submitter. Criteria: ACMG Guidelines, 2015. Collection method: clinical testing. Allele origin: germline.
Comment: The DST c.14903G>A variant is predicted to result in the amino acid substitution p.Arg4968His. To our knowledge, this variant has not been reported in the literature. This variant is reported in 0.12% of alleles in individuals of Ashkenazi Jewish descent in gnomAD. Although we suspect that this variant may be benign, at this time, the clinical significance of this variant is uncertain due to the absence of conclusive functional and genetic evidence.

Dasa
Classification: Uncertain significance. Last evaluated: 2025-08-22. Review status: criteria provided, single submitter. Criteria: DASA Assertion Criteria. Collection method: clinical testing. Allele origin: germline.
Comment: NM_001374736.1(DST):c.21260G>A (p.Arg7087His) is a missense variant that results in the substitution of arginine with histidine. This variant is rare in population databases. The currently available literature and clinical evidence are not sufficient to establish a definitive association between this variant and the reported condition. Therefore, this variant is classified as a variant of uncertain significance.

CeGaT Center for Human Genetics Tuebingen
Classification: Uncertain significance. Last evaluated: 2024-03-01. Review status: criteria provided, single submitter. Criteria: CeGaT Center For Human Genetics Tuebingen Variant Classification Criteria Version 2. Collection method: clinical testing. Allele origin: germline. Affected: yes. Observed: 1 variant allele.
Comment: DST: PM2

Labcorp Genetics (formerly Invitae), Labcorp
Classification: Uncertain significance for Epidermolysis bullosa simplex 3, localized or generalized intermediate, with BP230 deficiency; Hereditary sensory and autonomic neuropathy type 6. Last evaluated: 2022-10-09. Review status: criteria provided, single submitter. Criteria: Invitae Variant Classification Sherloc (09022015). Collection method: clinical testing. Allele origin: germline.
Comment: The DST gene has multiple clinically relevant transcripts. This variant occurs in alternate transcript NM_015548.4, and corresponds to NM_001723.5:c.*132692G>A in the primary transcript. This sequence change replaces arginine, which is basic and polar, with histidine, which is basic and polar, at codon 4464 of the DST protein (p.Arg4464His). This variant is present in population databases (rs199548754, gnomAD 0.1%). This variant has not been reported in the literature in individuals affected with DST-related conditions. ClinVar contains an entry for this variant (Variation ID: 965810). Experimental studies and prediction algorithms are not available or were not evaluated, and the functional significance of this variant is currently unknown. In summary, the available evidence is currently insufficient to determine the role of this variant in disease. Therefore, it has been classified as a Variant of Uncertain Significance.

Ambry Genetics
Classification: Uncertain significance for Inborn genetic diseases. Last evaluated: 2020-09-15. Review status: criteria provided, single submitter. Criteria: Ambry Variant Classification Scheme 2023. Collection method: clinical testing. Allele origin: germline.
Comment: The p.R4968H variant (also known as c.14903G>A), located in coding exon 83 of the DST gene, results from a G to A substitution at nucleotide position 14903. The arginine at codon 4968 is replaced by histidine, an amino acid with highly similar properties. This amino acid position is highly conserved in available vertebrate species. In addition, the in silico prediction for this alteration is inconclusive. Since supporting evidence is limited at this time, the clinical significance of this alteration remains unclear.

NM_001374736.1(DST):c.21260G>A (p.Arg7087His)

Gene: DST (dystonin; minus strand). Cytogenetic location: 6p12.1.
Variant type: single nucleotide variant.
Coding change: c.21260G>A on transcript NM_001374736.1 (MANE Select); coding-DNA position 21260, G replaced by A.
Protein change: p.Arg7087His; replaces arginine 7087 with histidine.
Molecular consequence: missense variant.
Genome position (GRCh38, 1-based): chr6:56,482,825, C>T on the plus strand (G>A on the coding strand, the complement: DST is on the minus strand). VCF-style: chr6-56482825-C-T. GRCh37 (hg19) VCF-style: chr6-56347623-C-T.
Other names: c.13391G>A, p.Arg4464His (NM_015548.5); c.14369G>A, p.Arg4790His (NM_183380.4); c.14903G>A, p.Arg4968His (NM_001144769.5); c.14489G>A, p.Arg4830His (NM_001144770.2); c.21260G>A, p.Arg7087His (NM_001374722.1); c.20300G>A, p.Arg6767His (NM_001374729.1); c.14042G>A, p.Arg4681His (NM_001374730.1); c.21287G>A, p.Arg7096His (NM_001374734.1); short protein forms R4681H, R7087H, R4464H, R4830H, R7096H, R4790H, R4968H, R6767H.
Identifiers: ClinVar variation 965810 (VCV000965810.31), dbSNP rs199548754, ClinGen allele CA3866544.